The following is an entry in ClinVar:

ClinVar aggregate classification (germline): Uncertain significance. Review status: criteria provided, multiple submitters, no conflicts (2 of 4 stars). 2 submissions from 2 submitters: Uncertain significance (2). Last evaluated 2024-01-18.

Conditions:
Inborn genetic diseases. Identifiers: MedGen C0950123, MeSH D030342.

Submissions (2):

Greenwood Genetic Center Diagnostic Laboratories, Greenwood Genetic Center
Classification: Uncertain significance. Last evaluated: 2024-01-18. Review status: criteria provided, single submitter. Criteria: ACMG Guidelines, 2015. Collection method: clinical testing. Allele origin: germline. Affected: yes.
Comment: PM2, PM4

Ambry Genetics
Classification: Uncertain significance for Inborn genetic diseases. Last evaluated: 2022-03-03. Review status: criteria provided, single submitter. Criteria: Ambry Variant Classification Scheme 2023. Collection method: clinical testing. Allele origin: germline.
Comment: The c.1714_1716delACT (p.T572del) alteration is located in exon 12 (coding exon 10) of the SRCAP gene. This alteration consists of an in-frame deletion of 3 nucleotides between nucleotide positions c.1714 and c.1716, resulting in the deletion of <NA> residues. Based on insufficient or conflicting evidence, the clinical significance of this alteration remains unclear.

NM_006662.3(SRCAP):c.1714_1716del (p.Thr572del)

Gene: SRCAP (Snf2 related CREBBP activator protein; plus strand). Cytogenetic location: 16p11.2.
Variant type: Deletion.
Coding change: c.1714_1716del on transcript NM_006662.3 (MANE Select); coding-DNA positions 1714 to 1716, 3 bases deleted (ACT; older notation c.1714_1716delACT).
Protein change: p.Thr572del; deletes threonine 572.
Molecular consequence: inframe deletion.
Genome position (GRCh38, 1-based): chr16:30,712,056-30,712,058, ACT deleted; deleting any 3 consecutive bases within chr16:30,712,054-30,712,058 gives the same sequence; the c. name uses the placement nearest the transcript's 3' end. VCF-style (leftmost placement, unchanged base first): chr16-30712053-CCTA-C. GRCh37 (hg19) VCF-style: chr16-30723374-CCTA-C.
Other names: short protein forms T572del.
Identifiers: ClinVar variation 2277288 (VCV002277288.3), dbSNP rs2052898234, ClinGen allele CA2216738394.